The following is an entry in ClinVar:

ClinVar aggregate classification (germline): Pathogenic/Likely pathogenic. Review status: criteria provided, multiple submitters, no conflicts (2 of 4 stars). 4 submissions from 4 submitters: Pathogenic (2); Likely pathogenic (2). Last evaluated 2025-06-10.

Conditions:
GBA-related disorder. Also called: GBA-related disorders.
Lewy body dementia (DLB). Also called: Lewy Body Disease. Identifiers: MedGen C0752347, MONDO:0007488, OMIM 127750.
Gaucher disease type I (GD1). Also called: Type 1 Gaucher Disease; GD 1; GAUCHER DISEASE, NONCEREBRAL JUVENILE; GBA DEFICIENCY; GD I; GLUCOCEREBROSIDASE DEFICIENCY. Identifiers: Orphanet 355, Orphanet 77259, MedGen C1961835, MONDO:0009265, OMIM 230800.
Gaucher disease-ophthalmoplegia-cardiovascular calcification syndrome. Also called: GAUCHER DISEASE, TYPE IIIC. Identifiers: Orphanet 2072, MedGen C1856476, MONDO:0009268, OMIM 231005.
Gaucher disease perinatal lethal. Also called: Gaucher disease collodion type; Gaucher Disease, Perinatal-Lethal Form. Identifiers: Orphanet 85212, MedGen C1842704, MONDO:0011945, OMIM 608013.
Gaucher disease type II (GD2). Also called: Type 2 Gaucher disease (Acute; Infantile); GAUCHER DISEASE, ACUTE NEURONOPATHIC TYPE; GD II; Acute neuronopathic Gaucher's disease. Identifiers: Orphanet 77260, MedGen C0268250, MONDO:0009266, OMIM 230900.
Gaucher disease type III. Also called: Type 3 Gaucher disease (Subacute; Juvenile); GAUCHER DISEASE, CHRONIC NEURONOPATHIC TYPE; GAUCHER DISEASE, JUVENILE AND ADULT, CEREBRAL; GAUCHER DISEASE, SUBACUTE NEURONOPATHIC TYPE; GD III; Subacute neuronopathic Gaucher's disease. Identifiers: Orphanet 355, Orphanet 77261, MedGen C0268251, MONDO:0009267, OMIM 231000.
Parkinson disease, late-onset (PD). Also called: Susceptibility to Parkinson's Disease; Hereditary late onset Parkinson disease; PARKINSON DISEASE, LATE-ONSET, SUSCEPTIBILITY TO. Identifiers: Orphanet 411602, MedGen C3160718, MONDO:0008199, OMIM 168600.
Gaucher disease. Also called: Glucosylceramidase deficiency; Glucosyl cerebroside lipidosis; Kerasin lipoidosis; Kerasin thesaurismosis; Acute cerebral Gaucher disease; Cerebroside lipidosis syndrome. Identifiers: Orphanet 355, MedGen C0017205, MONDO:0018150.

Submissions (4):

Natera, Inc.
Classification: Pathogenic for Gaucher disease. Last evaluated: 2025-06-10. Review status: criteria provided, single submitter. Criteria: Natera Variant Classification Schema (03/2026). Collection method: clinical testing. Allele origin: germline.
Comment: The c.914delC variant in GBA1 is a frameshift variant predicted to shift the reading frame beginning at codon 305 and leads to a stop codon 31 codons downstream. This variant is expected to result in nonsense mediated decay, truncation, or a dysfunctional protein product. This variant is rare in the general population with a frequency below the threshold expected for the associated phenotype(s). This variant has been observed in one or more individuals affected with the associated recessive disease, as either homozygous or compound heterozygous with a second variant (PMID: 7655857). Given the available evidence, this variant is classified as Pathogenic.

Fulgent Genetics
Classification: Pathogenic for Lewy body dementia; Parkinson disease, late-onset; Gaucher disease type I; Gaucher disease type II; Gaucher disease type III; Gaucher disease-ophthalmoplegia-cardiovascular calcification syndrome; Gaucher disease perinatal lethal. Last evaluated: 2022-01-24. Review status: criteria provided, single submitter. Criteria: ACMG Guidelines, 2015. Collection method: clinical testing. Allele origin: unknown.

Blueprint Genetics
Classification: Likely pathogenic for GBA-related disorders. Last evaluated: 2020-11-18. Review status: criteria provided, single submitter. Criteria: ACMG Guidelines, 2015. Collection method: clinical testing. Allele origin: germline. Affected: yes. Observed: 1 variant allele.

Women's Health and Genetics/Laboratory Corporation of America, LabCorp
Classification: Likely pathogenic for Gaucher disease. Last evaluated: 2019-02-25. Review status: criteria provided, single submitter. Criteria: LabCorp Variant Classification Summary - May 2015. Collection method: clinical testing. Allele origin: germline.
Comment: Variant summary: GBA c.914delC (p.Pro305LeufsX31) results in a premature termination codon, predicted to cause a truncation of the encoded protein or absence of the protein due to nonsense mediated decay, which are commonly known mechanisms for disease. Truncations downstream of this position have been classified as pathogenic by our laboratory (eg. c.1029delT, p.Tyr343fsX1; c.1192C>T, p.Arg398X; c.1357C>T, p.Gln453X). The variant allele was found at a frequency of 4.1e-06 in 245970 control chromosomes (gnomAD). c.914delC has been reported in the literature in an individual affected with Gaucher Disease (Beutler_1995). To our knowledge, no experimental evidence demonstrating an impact on protein function has been reported. No clinical diagnostic laboratories have submitted clinical-significance assessments for this variant to ClinVar after 2014. Based on the evidence outlined above, the variant was classified as likely pathogenic.

Literature cited by the submitters: PubMed 7655857 (cited by Natera, Inc. and Women's Health and Genetics/Laboratory Corporation of America, LabCorp); PubMed 27571329 (cited by Women's Health and Genetics/Laboratory Corporation of America, LabCorp).

NM_000157.4(GBA1):c.914del (p.Pro305fs)

Genes: GBA1 (glucosylceramidase beta 1; minus strand), LOC106627981 (GBA recombination region; plus strand). Cytogenetic location: 1q22.
Variant type: Deletion.
Coding change: c.914del on transcript NM_000157.4 (MANE Select); coding-DNA position 914, one base deleted (C; older notation c.914delC).
Protein change: p.Pro305fs; shifts the reading frame from proline 305.
Molecular consequence: frameshift variant.
Genome position (GRCh38, 1-based): chr1:155,237,426, G deleted on the plus strand (C on the coding strand, the reverse complement: GBA1 is on the minus strand); the first of 2 consecutive G bases (chr1:155,237,426-155,237,427); deleting either gives the same sequence. VCF-style (leftmost placement, unchanged base first): chr1-155237425-AG-A. GRCh37 (hg19) VCF-style: chr1-155207216-AG-A.
Other names: c.914del, p.Pro305fs (NM_001005741.3, NM_001005742.3); c.653del, p.Pro218fs (NM_001171811.2); c.767del, p.Pro256fs (NM_001171812.2); c.914delC (NM_000157.3); short protein forms P218fs, P256fs, P305fs.
Identifiers: ClinVar variation 928837 (VCV000928837.4), dbSNP rs1366567865, ClinGen allele CA526668298.